The following is an entry in ClinVar:

NM_001267550.2(TTN):c.7862C>A (p.Ala2621Asp)

Gene: TTN (titin; minus strand). Cytogenetic location: 2q31.2.
Variant type: single nucleotide variant.
Coding change: c.7862C>A on transcript NM_001267550.2 (MANE Select); coding-DNA position 7862, C replaced by A.
Protein change: p.Ala2621Asp; replaces alanine 2621 with aspartic acid.
Molecular consequence: missense variant.
Genome position (GRCh38, 1-based): chr2:178,771,465, G>T on the plus strand (C>A on the coding strand, the complement: TTN is on the minus strand). VCF-style: chr2-178771465-G-T. GRCh37 (hg19) VCF-style: chr2-179636192-G-T.
Other names: c.7862C>A, p.Ala2621Asp (NM_001256850.1, NM_133378.4, NM_133379.5); c.7724C>A, p.Ala2575Asp (NM_003319.4, NM_133432.3, NM_133437.4); short protein forms A2575D, A2621D.
Identifiers: ClinVar variation 4854874 (VCV004854874.2).

ClinVar aggregate classification (germline): Uncertain significance. Review status: criteria provided, multiple submitters, no conflicts (2 of 4 stars). 2 submissions from 2 submitters: Uncertain significance (2). Last evaluated 2026-06-19.

Conditions:
Autosomal recessive limb-girdle muscular dystrophy type 2J (LGMDR10). Also called: MUSCULAR DYSTROPHY, LIMB-GIRDLE, AUTOSOMAL RECESSIVE 10; Limb-girdle muscular dystrophy, type 2J. Identifiers: Orphanet 140922, MedGen C1837342, MONDO:0012127, OMIM 608807.
TTN-related disorder. Also called: TTN-related disorders; TTN-related condition; TTN-related disease.

gnomAD v4.1: 16 of 1,613,722 alleles (0.00099%); highest among the groups gnomAD compares: Admixed American, 0.025%; no homozygotes.

Submissions (2):

PreventionGenetics, part of Exact Sciences
Classification: Uncertain significance for TTN-related condition. Last evaluated: 2026-06-19. Review status: criteria provided, single submitter. Criteria: ACMG Guidelines, 2015. Collection method: clinical testing. Allele origin: germline.
Comment: The TTN c.7862C>A variant is predicted to result in the amino acid substitution p.Ala2621Asp. To our knowledge, this variant has not been reported in the literature. This variant is reported in 0.040% of alleles in individuals of Latino descent in gnomAD. An alternative amino acid alteration at this same location has been reported in an infant with sudden unexpected death (reported as c.7723G>A, p.Ala2575Thr in transcript NM_003319, Table S6, Bard et al. 2024. PubMed ID: 38895864). At this time, the clinical significance of this variant is uncertain due to the absence of conclusive functional and genetic evidence.

3billion
Classification: Uncertain significance for Autosomal recessive limb-girdle muscular dystrophy type 2J. Last evaluated: 2026-01-23. Review status: criteria provided, single submitter. Criteria: ACMG Guidelines, 2015. Collection method: clinical testing. Allele origin: germline. Affected: yes.
Comment: The variant is observed at an extremely low frequency in the gnomAD v4.1.0 dataset (total allele frequency: <0.001%). Predicted Consequence/Location: Missense variant Damaging effect on gene or gene product predicted by in silico programs is uncertain [REVEL: 0.47 (damaging >=0.6, benign <0.4)]. A different missense change at the same codon (p.Ala2621Thr) has been reported to be associated with TTN-related disorder (PMID: 38895864). However the evidence of pathogenicity is insufficient at this time. Therefore, this variant is classified as VUS according to the recommendation of ACMG/AMP guideline.

Literature cited by the submitters: PubMed 38895864 (cited by 3billion).